The following is an entry in ClinVar:

NM_152743.4(BRAT1):c.1405_1406delinsGC (p.Lys469Ala)

Gene: BRAT1 (BRCA1 associated ATM activator 1; minus strand). Cytogenetic location: 7p22.3.
Variant type: Indel.
Coding change: c.1405_1406delinsGC on transcript NM_152743.4 (MANE Select); coding-DNA positions 1405 to 1406, AA replaced by GC.
Protein change: p.Lys469Ala; replaces lysine 469 with alanine.
Molecular consequence: missense variant. On other transcripts: non-coding transcript variant (1).
Genome position (GRCh38, 1-based): chr7:2,539,878-2,539,879, TT replaced by GC on the plus strand (AA replaced by GC on the coding strand, the reverse complement: BRAT1 is on the minus strand). VCF-style: chr7-2539878-TT-GC. GRCh37 (hg19) VCF-style: chr7-2579512-TT-GC.
Other names: c.1405_1406delinsGC, p.Lys469Ala (NM_001350626.2); c.880_881delinsGC, p.Lys294Ala (NM_001350627.2); short protein forms K469A, K294A.
Identifiers: ClinVar variation 1043571 (VCV001043571.4), dbSNP rs1779011684, ClinGen allele CA1683199356.

ClinVar aggregate classification (germline): Uncertain significance (1 of 4 stars; one submission).

Conditions:
Neonatal-onset encephalopathy with rigidity and seizures. Also called: Lethal neonatal spasticity-epileptic encephalopathy syndrome. Identifiers: Orphanet 435845, MedGen C3281029, MONDO:0013784, OMIM 614498.

Submission:

Labcorp Genetics (formerly Invitae), Labcorp
Classification: Uncertain significance for Neonatal-onset encephalopathy with rigidity and seizures. Last evaluated: 2022-09-27. Review status: criteria provided, single submitter. Criteria: Invitae Variant Classification Sherloc (09022015). Collection method: clinical testing. Allele origin: germline.
Comment: This sequence change replaces lysine, which is basic and polar, with alanine, which is neutral and non-polar, at codon 469 of the BRAT1 protein (p.Lys469Ala). This variant is present in population databases (no rsID available, gnomAD 0.4%). This variant has not been reported in the literature in individuals affected with BRAT1-related conditions. ClinVar contains an entry for this variant (Variation ID: 1043571). Algorithms developed to predict the effect of missense changes on protein structure and function are either unavailable or do not agree on the potential impact of this missense change (SIFT: "Not Available"; PolyPhen-2: "Probably Damaging"; Align-GVGD: "Not Available"). In summary, the available evidence is currently insufficient to determine the role of this variant in disease. Therefore, it has been classified as a Variant of Uncertain Significance.